The following is an entry in ClinVar:

NM_005245.4(FAT1):c.56G>C (p.Gly19Ala)

Gene: FAT1 (FAT atypical cadherin 1; minus strand). Cytogenetic location: 4q35.2.
Variant type: single nucleotide variant.
Coding change: c.56G>C on transcript NM_005245.4 (MANE Select); coding-DNA position 56, G replaced by C.
Protein change: p.Gly19Ala; replaces glycine 19 with alanine.
Molecular consequence: missense variant.
Genome position (GRCh38, 1-based): chr4:186,709,772, C>G on the plus strand (G>C on the coding strand, the complement: FAT1 is on the minus strand). VCF-style: chr4-186709772-C-G. GRCh37 (hg19) VCF-style: chr4-187630926-C-G.
Other names: c.56G>C (NM_005245.3); short protein forms G19A.
Identifiers: ClinVar variation 1634087 (VCV001634087.37), dbSNP rs200192750, ClinGen allele CA3167738.

ClinVar aggregate classification (germline): Conflicting classifications of pathogenicity. Review status: criteria provided, conflicting classifications (1 of 4 stars). 7 submissions from 7 submitters: Uncertain significance (2); Likely benign (4). 1 of the submissions does not count toward it. Last evaluated 2025-12-15.

Conditions:
FAT1-related disorder. Also called: FAT1-related condition.
Inborn genetic diseases. Identifiers: MedGen C0950123, MeSH D030342.

Allele frequency attached by ClinVar (database versions not stated): gnomAD 0.00009 and 0.00017; TOPMed 0.00014; ESP Exome Variant Server 0.00024; gnomAD exomes 0.00041; ExAC 0.00059; 1000 Genomes Project 0.00060; 1000 Genomes Project 30x 0.00078.
gnomAD v4.1: 417 of 1,612,514 alleles (0.026%); highest among the groups gnomAD compares: Middle Eastern, 0.41%; 2 homozygotes.

Submissions (7):

Labcorp Genetics (formerly Invitae), Labcorp
Classification: Likely benign. Last evaluated: 2025-12-15. Review status: criteria provided, single submitter. Criteria: Invitae Variant Classification Sherloc (09022015). Collection method: clinical testing. Allele origin: germline.

Blueprint Genetics
Classification: Likely benign. Last evaluated: 2024-11-22. Review status: criteria provided, single submitter. Criteria: ACMG Guidelines, 2015. Collection method: clinical testing. Allele origin: germline.

Ambry Genetics
Classification: Uncertain significance for Inborn genetic diseases. Last evaluated: 2024-07-10. Review status: criteria provided, single submitter. Criteria: Ambry Variant Classification Scheme 2023. Collection method: clinical testing. Allele origin: germline.

CeGaT Center for Human Genetics Tuebingen
Classification: Likely benign. Last evaluated: 2023-03-01. Review status: criteria provided, single submitter. Criteria: CeGaT Center For Human Genetics Tuebingen Variant Classification Criteria Version 2. Collection method: clinical testing. Allele origin: germline. Affected: yes. Observed: 1 variant allele.
Comment: FAT1: BP4

Department of Pathology and Laboratory Medicine, Sinai Health System
Classification: Uncertain significance for FAT1-related disorder. Last evaluated: 2021-07-30. Review status: criteria provided, single submitter. Criteria: ACMG Guidelines, 2015. Collection method: research. Allele origin: germline.

Breakthrough Genomics
Classification: Likely benign. Review status: criteria provided, single submitter. Criteria: ACMG Guidelines, 2015. Collection method: not provided. Allele origin: germline. Inheritance: Unknown mechanism. Affected: yes.

PreventionGenetics, part of Exact Sciences
Classification: Likely benign for FAT1-related condition. Last evaluated: 2022-10-19. Review status: no assertion criteria provided. Collection method: clinical testing. Allele origin: germline. Not counted in ClinVar's aggregate classification.
Comment: This variant is classified as likely benign based on ACMG/AMP sequence variant interpretation guidelines (Richards et al. 2015 PMID: 25741868, with internal and published modifications).